The following is an entry in ClinVar:

NM_013450.4(BAZ2B):c.1184dup (p.Glu396fs)

Genes: BAZ2B (bromodomain adjacent to zinc finger domain 2B; minus strand), LOC126806391 (MED14-independent group 3 enhancer GRCh37_chr2:160294250-160295449; plus strand). Cytogenetic location: 2q24.2.
Variant type: Duplication.
Coding change: c.1184dup on transcript NM_013450.4 (MANE Select); coding-DNA position 1184, one base duplicated (A; older notation c.1184dupA).
Protein change: p.Glu396fs; shifts the reading frame from glutamic acid 396.
Molecular consequence: frameshift variant.
Genome position (GRCh38, 1-based): chr2:159,438,412, T duplicated on the plus strand (A on the coding strand, the reverse complement: BAZ2B is on the minus strand); the first of 5 consecutive T bases (chr2:159,438,412-159,438,416); duplicating any one gives the same sequence. VCF-style (leftmost placement, unchanged base first): chr2-159438411-C-CT. GRCh37 (hg19) VCF-style: chr2-160294922-C-CT.
Other names: c.1178dup, p.Glu394fs (NM_001289975.1); c.995dup, p.Glu333fs (NM_001329857.2); c.1184dup, p.Glu396fs (NM_001329858.2); short protein forms E394fs, E396fs, E333fs.
Identifiers: ClinVar variation 4594643 (VCV004594643.1).

ClinVar aggregate classification (germline): Pathogenic (1 of 4 stars; one submission).

Conditions:
Inborn genetic diseases. Identifiers: MedGen C0950123, MeSH D030342.

Submission:

Ambry Genetics
Classification: Pathogenic for Inborn genetic diseases. Last evaluated: 2025-12-08. Review status: criteria provided, single submitter. Criteria: Ambry Variant Classification Scheme 2023. Collection method: clinical testing. Allele origin: germline.
Comment: The c.1184dupA (p.E396Gfs*12) alteration, located in exon 8 (coding exon 6) of the BAZ2B gene, consists of a duplication of A at position 1184, causing a translational frameshift with a predicted alternate stop codon after 12 amino acids. This alteration is expected to result in loss of function by premature protein truncation or nonsense-mediated mRNA decay. This variant was not reported in population-based cohorts in the Genome Aggregation Database (gnomAD). Based on the available evidence, this alteration is classified as pathogenic.